The following is an entry in ClinVar:

NM_000018.4(ACADVL):c.678C>A (p.Ala226=)

Gene: ACADVL (acyl-CoA dehydrogenase very long chain; plus strand). Cytogenetic location: 17p13.1.
Variant type: single nucleotide variant.
Coding change: c.678C>A on transcript NM_000018.4 (MANE Select); coding-DNA position 678, C replaced by A.
Protein change: p.Ala226=; no amino-acid change (alanine 226 retained).
Molecular consequence: synonymous variant.
Genome position (GRCh38, 1-based): chr17:7,222,007, C>A. VCF-style: chr17-7222007-C-A. GRCh37 (hg19) VCF-style: chr17-7125326-C-A.
Other names: NM_000018.4(ACADVL):c.678C>A; p.Ala226=; c.612C>A, p.Ala204= (NM_001033859.3); c.747C>A, p.Ala249= (NM_001270447.2); c.450C>A, p.Ala150= (NM_001270448.2).
Identifiers: ClinVar variation 282922 (VCV000282922.16), dbSNP rs372114185, ClinGen allele CA8337808.

ClinVar aggregate classification (germline): Likely benign. Review status: reviewed by expert panel (3 of 4 stars). 6 submissions from 6 submitters: Likely benign (1). 5 of the submissions do not count toward it. Last evaluated 2025-04-22.

Conditions:
Very long chain acyl-CoA dehydrogenase deficiency (ACADVLD). Also called: VLCAD Deficiency; Very Long-Chain Acyl-Coenzyme A Dehydrogenase Deficiency. Identifiers: Orphanet 26793, MedGen C3887523, MONDO:0008723, OMIM 201475.

Allele frequency attached by ClinVar (database versions not stated): TOPMed 0.00002.
gnomAD v4.1: 40 of 1,614,046 alleles (0.0025%); highest among the groups gnomAD compares: Middle Eastern, 0.049%; no homozygotes.

Submissions (6):

ClinGen ACADVL Variant Curation Expert Panel, ClinGen
Classification: Likely benign for Very long chain acyl-CoA dehydrogenase deficiency. Last evaluated: 2025-04-22. Review status: reviewed by expert panel. Criteria: clingen acadvl acmg specifications v1. Collection method: curation. Allele origin: germline. Inheritance: Autosomal recessive inheritance.
Comment: The c.678C>A (p.Ala226=) variant (NM_000018.3) is a synonymous (silent) variant that is not predicted by NNSplice, MaxEntScan, and SpliceAI to impact splicing. In addition, it occurs at a nucleotide that is not conserved as shown by phyloP (BP4, BP7). This variant is absent from gnomAD v.2.1.1; however, this is not considered conflicting evidence with BP4 and BP7. In summary, this variant meets the criteria to be classified as likely benign for autosomal recessive very long chain acyl-CoA dehydrogenase (VLCAD) deficiency based on the ACMG/AMP criteria applied, as specified by the ClinGen ACADVL Variant Curation Expert Panel: BP4, BP7 (ACADVL VCEP specifications version 1; approved November 9, 2021).

Labcorp Genetics (formerly Invitae), Labcorp
Classification: Likely benign for Very long chain acyl-CoA dehydrogenase deficiency. Last evaluated: 2026-01-08. Review status: criteria provided, single submitter. Criteria: Invitae Variant Classification Sherloc (09022015). Collection method: clinical testing. Allele origin: germline. Not counted in ClinVar's aggregate classification.

Blueprint Genetics
Classification: Likely benign. Last evaluated: 2024-10-14. Review status: criteria provided, single submitter. Criteria: ACMG Guidelines, 2015. Collection method: clinical testing. Allele origin: germline. Not counted in ClinVar's aggregate classification.

GeneDx
Classification: Likely benign. Last evaluated: 2017-04-05. Review status: criteria provided, single submitter. Criteria: GeneDx Variant Classification (06012015). Collection method: clinical testing. Allele origin: germline. Affected: yes. Not counted in ClinVar's aggregate classification.
Comment: This variant is considered likely benign or benign based on one or more of the following criteria: it is a conservative change, it occurs at a poorly conserved position in the protein, it is predicted to be benign by multiple in silico algorithms, and/or has population frequency not consistent with disease.

Eurofins Ntd Llc (ga)
Classification: Uncertain significance. Last evaluated: 2015-08-25. Review status: criteria provided, single submitter. Criteria: EGL Classification Definitions 2015. Collection method: clinical testing. Allele origin: germline. Observed: 1 variant allele, 1 heterozygote. Not counted in ClinVar's aggregate classification.

Natera, Inc.
Classification: Uncertain significance for Very long chain acyl-CoA dehydrogenase deficiency. Last evaluated: 2020-01-24. Review status: no assertion criteria provided. Collection method: clinical testing. Allele origin: germline. Not counted in ClinVar's aggregate classification.